The following is an entry in ClinVar:

NM_152416.4(NDUFAF6):c.641T>C (p.Val214Ala)

Gene: NDUFAF6 (NADH:ubiquinone oxidoreductase complex assembly factor 6; plus strand). Cytogenetic location: 8q22.1.
Variant type: single nucleotide variant.
Coding change: c.641T>C on transcript NM_152416.4 (MANE Select); coding-DNA position 641, T replaced by C.
Protein change: p.Val214Ala; replaces valine 214 with alanine.
Molecular consequence: missense variant. On other transcripts: non-coding transcript variant (5).
Genome position (GRCh38, 1-based): chr8:95,047,054, T>C. VCF-style: chr8-95047054-T-C. GRCh37 (hg19) VCF-style: chr8-96059282-T-C.
Other names: c.365T>C, p.Val122Ala (NM_001330582.2, NM_001354514.2, NM_001354515.2 and 1 more transcripts); c.485T>C, p.Val162Ala (NM_001354516.2); c.308T>C, p.Val103Ala (NM_001354517.2, NM_001354518.2, NM_001354519.2 and 1 more transcripts); c.185T>C, p.Val62Ala (NM_001354522.2, NM_001354524.2, NM_001354525.2 and 7 more transcripts); c.641T>C (NM_152416.3); short protein forms V103A, V122A, V162A, V214A, V62A.
Identifiers: ClinVar variation 1203946 (VCV001203946.11), dbSNP rs376835502, ClinGen allele CA4814861.
Genomic context (GRCh38, chr8:95,047,054, plus strand): 5'-GTATAAAGGATCTTCATGCAGATCATGCTGCAAGTCATATTGGAAAAGCACAAGGCATTG[T>C]CACTTGCTTGAGAGCAACACCATATCATGGGAGCAGAAGAAAGGTGTTCCTTCCCATGGA-3'
Protein context (NP_689629.2, residues 204-224): ASHIGKAQGI[Val214Ala]TCLRATPYHG

ClinVar aggregate classification (germline): Uncertain significance. Review status: criteria provided, multiple submitters, no conflicts (2 of 4 stars). 3 submissions from 3 submitters: Uncertain significance (2). 1 of the submissions does not count toward it. Last evaluated 2025-12-08.

Conditions:
NDUFAF6-related disorder. Also called: NDUFAF6-related condition.

Allele frequency attached by ClinVar (database versions not stated): gnomAD exomes 0.00004 and 0.00013; ExAC 0.00018; 1000 Genomes Project 0.00020; 1000 Genomes Project 30x 0.00031; ESP Exome Variant Server 0.00033; gnomAD 0.00051 and 0.00056; TOPMed 0.00059.
gnomAD v4.1: 143 of 1,614,214 alleles (0.0089%); highest among the groups gnomAD compares: African/African-American, 0.16%; no homozygotes.

Submissions (3):

Labcorp Genetics (formerly Invitae), Labcorp
Classification: Uncertain significance. Last evaluated: 2025-12-08. Review status: criteria provided, single submitter. Criteria: Invitae Variant Classification Sherloc (09022015). Collection method: clinical testing. Allele origin: germline.
Comment: This sequence change replaces valine, which is neutral and non-polar, with alanine, which is neutral and non-polar, at codon 214 of the NDUFAF6 protein (p.Val214Ala). This variant is present in population databases (rs376835502, gnomAD 0.2%). This variant has not been reported in the literature in individuals affected with NDUFAF6-related conditions. ClinVar contains an entry for this variant (Variation ID: 1203946). Invitae Evidence Modeling of protein sequence and biophysical properties (such as structural, functional, and spatial information, amino acid conservation, physicochemical variation, residue mobility, and thermodynamic stability) indicates that this missense variant is not expected to disrupt NDUFAF6 protein function with a negative predictive value of 80%. In summary, the available evidence is currently insufficient to determine the role of this variant in disease. Therefore, it has been classified as a Variant of Uncertain Significance.

GeneDx
Classification: Uncertain significance. Last evaluated: 2024-10-30. Review status: criteria provided, single submitter. Criteria: GeneDx Variant Classification Process June 2021. Collection method: clinical testing. Allele origin: germline. Affected: yes.
Comment: In silico analysis supports that this missense variant has a deleterious effect on protein structure/function; Has not been previously published as pathogenic or benign to our knowledge; This variant is associated with the following publications: (PMID: Pagliarini2023[preprint])

PreventionGenetics, part of Exact Sciences
Classification: Likely benign for NDUFAF6-related condition. Last evaluated: 2023-04-24. Review status: no assertion criteria provided. Collection method: clinical testing. Allele origin: germline. Not counted in ClinVar's aggregate classification.
Comment: This variant is classified as likely benign based on ACMG/AMP sequence variant interpretation guidelines (Richards et al. 2015 PMID: 25741868, with internal and published modifications).